The following is an entry in ClinVar:

NM_000548.5(TSC2):c.4514_4540del (p.Tyr1505_Glu1513del)

Gene: TSC2 (TSC complex subunit 2; plus strand). Cytogenetic location: 16p13.3.
Variant type: Deletion.
Coding change: c.4514_4540del on transcript NM_000548.5 (MANE Select); coding-DNA positions 4514 to 4540, 27 bases deleted (ACCATTCCCCCTTCTTTGGCGACGAGT).
Protein change: p.Tyr1505_Glu1513del.
Molecular consequence: inframe deletion. On other transcripts: non-coding transcript variant (5).
Genome position (GRCh38, 1-based): chr16:2,084,971-2,084,997, ACCATTCCCCCTTCTTTGGCGACGAGT deleted; deleting any 27 consecutive bases within chr16:2,084,970-2,084,997 gives the same sequence; the c. name uses the placement nearest the transcript's 3' end. VCF-style (leftmost placement, unchanged base first): chr16-2084969-CTACCATTCCCCCTTCTTTGGCGACGAG-C. GRCh37 (hg19) VCF-style: chr16-2134970-CTACCATTCCCCCTTCTTTGGCGACGAG-C.
Other names: c.4298_4324del, p.Tyr1433_Glu1441del (NM_001406675.1); c.4295_4321del, p.Tyr1432_Glu1440del (NM_001406676.1); c.4256_4282del, p.Tyr1419_Glu1427del (NM_001406677.1); c.4202_4228del, p.Tyr1401_Glu1409del (NM_001406678.1); c.4166_4192del, p.Tyr1389_Glu1397del (NM_001406679.1); c.3914_3940del, p.Tyr1305_Glu1313del (NM_001406680.1); c.3854_3880del, p.Tyr1285_Glu1293del (NM_001406681.1); c.3845_3871del, p.Tyr1282_Glu1290del (NM_001406682.1, NM_001406683.1); and 26 more.
Identifiers: ClinVar variation 4281615 (VCV004281615.1).

ClinVar aggregate classification (germline): Conflicting classifications of pathogenicity. Review status: criteria provided, conflicting classifications (1 of 4 stars). 2 submissions from 2 submitters: Likely pathogenic (1); Uncertain significance (1). Last evaluated 2025-10-06.

Conditions:
Tuberous sclerosis 2 (TSC2). Identifiers: Orphanet 805, MedGen C1860707, MONDO:0013199, OMIM 613254.
Hereditary cancer-predisposing syndrome. Also called: Neoplastic Syndromes, Hereditary; Tumor predisposition; Hereditary neoplastic syndrome; Hereditary Cancer Syndrome. Identifiers: Orphanet 140162, MedGen C0027672, MeSH D009386, MONDO:0015356.

Submissions (2):

Ambry Genetics
Classification: Uncertain significance for Hereditary cancer-predisposing syndrome. Last evaluated: 2025-10-06. Review status: criteria provided, single submitter. Criteria: Ambry Variant Classification Scheme 2023. Collection method: clinical testing. Allele origin: germline.
Comment: The c.4514_4540del27 variant (also known as p.Y1505_E1513del) is located in coding exon 34 of the TSC2 gene. This variant results from an in-frame ACCATTCCCCCTTCTTTGGCGACGAGT deletion at nucleotide positions 4514 to 4540. This results in the in-frame deletion of nine residues at codons 1505 through 1513. This variant was reported in individual(s) with features consistent with tuberous sclerosis complex (Ambry internal data). This amino acid region is well conserved in available vertebrate species. In addition, this variant is predicted to be deleterious by in silico analysis (Choi Y et al. PLoS ONE. 2012; 7(10):e46688). Based on the available evidence, the clinical significance of this variant remains unclear.

Hereditary Cancer Clinic, Medical College of Georgia
Classification: Likely pathogenic for Tuberous sclerosis 2. Last evaluated: 2025-10-06. Review status: criteria provided, single submitter. Criteria: ACMG Guidelines, 2015. Collection method: provider interpretation. Allele origin: de novo. Inheritance: Autosomal dominant inheritance. Affected: yes. Observed: 1 heterozygote.
Comment: PM2 Absent from controls. PM4 Protein length changes due to in-frame deletion. PM6 Assumed de novo. PP4 Patient's phenotype is highly specific.